The following is an entry in ClinVar:

ClinVar aggregate classification (germline): Conflicting classifications of pathogenicity. Review status: criteria provided, conflicting classifications (1 of 4 stars). 3 submissions from 3 submitters: Uncertain significance (1); Likely benign (2). Last evaluated 2026-07-30.

Conditions:
ATP8B1-related disorder. Also called: ATP8B1-related disorders; ATP8B1-related condition.
Progressive familial intrahepatic cholestasis type 1. Also called: Severe ATP8B1 Deficiency (Progressive Familial Intrahepatic Cholestasis Type 1 [PFIC1]); BYLER DISEASE; Byler's disease. Identifiers: Orphanet 79306, MedGen C4551898, MONDO:0008892, OMIM 211600.

Allele frequency attached by ClinVar (database versions not stated): gnomAD 0.00001; ExAC 0.00002; gnomAD exomes 0.00003; TOPMed 0.00003; ESP Exome Variant Server 0.00008.
gnomAD v4.1: 51 of 1,609,680 alleles (0.0032%); highest among the groups gnomAD compares: Admixed American, 0.0083%; no homozygotes.

Submissions (3):

PreventionGenetics, part of Exact Sciences
Classification: Likely benign for ATP8B1-related condition. Last evaluated: 2026-07-30. Review status: criteria provided, single submitter. Criteria: ACMG Guidelines, 2015. Collection method: clinical testing. Allele origin: germline.
Comment: This variant is classified as likely benign based on ACMG/AMP sequence variant interpretation guidelines (Richards et al. 2015 PMID: 25741868, with internal and published modifications).

Labcorp Genetics (formerly Invitae), Labcorp
Classification: Likely benign. Last evaluated: 2025-12-17. Review status: criteria provided, single submitter. Criteria: Invitae Variant Classification Sherloc (09022015). Collection method: clinical testing. Allele origin: germline.

Illumina Laboratory Services, Illumina
Classification: Uncertain significance for Progressive familial intrahepatic cholestasis type 1. Last evaluated: 2018-01-12. Review status: criteria provided, single submitter. Criteria: ICSL Variant Classification Criteria 13 December 2019. Collection method: clinical testing. Allele origin: germline.

NM_001374385.1(ATP8B1):c.394-7C>T

Gene: ATP8B1 (ATPase phospholipid transporting 8B1; minus strand). Cytogenetic location: 18q21.31.
Variant type: single nucleotide variant.
Coding change: c.394-7C>T on transcript NM_001374385.1 (MANE Select); 7 bases into the intron before coding-DNA position 394, C replaced by T.
Molecular consequence: intron variant.
Genome position (GRCh38, 1-based): chr18:57,701,320, G>A on the plus strand (C>T on the coding strand, the complement: ATP8B1 is on the minus strand). VCF-style: chr18-57701320-G-A. GRCh37 (hg19) VCF-style: chr18-55368552-G-A.
Other names: c.394-7C>T (NM_005603.6); c.244-7C>T (NM_001374386.1).
Identifiers: ClinVar variation 327493 (VCV000327493.9), dbSNP rs370252509, ClinGen allele CA8974856.